The following is an entry in ClinVar:

NM_002354.3(EPCAM):c.787G>C (p.Gly263Arg)

Gene: EPCAM (epithelial cell adhesion molecule; plus strand). Cytogenetic location: 2p21.
Variant type: single nucleotide variant.
Coding change: c.787G>C on transcript NM_002354.3 (MANE Select); coding-DNA position 787, G replaced by C.
Protein change: p.Gly263Arg; replaces glycine 263 with arginine.
Molecular consequence: missense variant.
Genome position (GRCh38, 1-based): chr2:47,379,898, G>C. VCF-style: chr2-47379898-G-C. GRCh37 (hg19) VCF-style: chr2-47607037-G-C.
Other names: short protein forms G263R.
Identifiers: ClinVar variation 1761001 (VCV001761001.2), dbSNP rs1376645711, ClinGen allele CA346724784.
Genomic context (GRCh38, chr2:47,379,898, plus strand): 5'-GATCCTGGTCAAACTTTAATTTATTATGTTGATGAAAAAGCACCTGAATTCTCAATGCAG[G>C]GTCTAAAAGCTGGTGTTATTGCTGTTATTGTGGTTGTGGTGATAGCAGTTGTTGCTGGAA-3'
Protein context (NP_002345.2, residues 253-273): DEKAPEFSMQ[Gly263Arg]LKAGVIAVIV

ClinVar aggregate classification (germline): Uncertain significance (1 of 4 stars; one submission).

Conditions:
Hereditary cancer-predisposing syndrome. Also called: Neoplastic Syndromes, Hereditary; Tumor predisposition; Hereditary Cancer Syndrome; Hereditary neoplastic syndrome. Identifiers: Orphanet 140162, MedGen C0027672, MeSH D009386, MONDO:0015356.

Allele frequency attached by ClinVar (database versions not stated): gnomAD exomes below 0.00001.
gnomAD v4.1: 1 of 1,614,102 alleles (0.000062%); highest among the groups gnomAD compares: African/African-American, 0.0013%; no homozygotes.

Submission:

Ambry Genetics
Classification: Uncertain significance for Hereditary cancer-predisposing syndrome. Last evaluated: 2022-01-14. Review status: criteria provided, single submitter. Criteria: Ambry Variant Classification Scheme 2023. Collection method: clinical testing. Allele origin: germline.
Comment: The p.G263R variant (also known as c.787G>C), located in coding exon 7 of the EPCAM gene, results from a G to C substitution at nucleotide position 787. The glycine at codon 263 is replaced by arginine, an amino acid with dissimilar properties. This amino acid position is conserved. In addition, this alteration is predicted to be tolerated by in silico analysis. Since supporting evidence is limited at this time, the clinical significance of this alteration remains unclear.